The following is an entry in ClinVar:

NM_007118.4(TRIO):c.305A>G (p.Glu102Gly)

Gene: TRIO (trio Rho guanine nucleotide exchange factor; plus strand). Cytogenetic location: 5p15.2.
Variant type: single nucleotide variant.
Coding change: c.305A>G on transcript NM_007118.4 (MANE Select); coding-DNA position 305, A replaced by G.
Protein change: p.Glu102Gly; replaces glutamic acid 102 with glycine.
Molecular consequence: missense variant. On other transcripts: non-coding transcript variant (1).
Genome position (GRCh38, 1-based): chr5:14,280,394, A>G. VCF-style: chr5-14280394-A-G. GRCh37 (hg19) VCF-style: chr5-14280503-A-G.
Other names: short protein forms E102G.
Identifiers: ClinVar variation 3775272 (VCV003775272.1).
Genomic context (GRCh38, chr5:14,280,394, plus strand): 5'-AACGTGGAGGTCCCATTTTAACGTTTCCGGCCCGCAGCAATCATGACAGAATACGACAGG[A>G]GGATCTCAGGAGACTCATTTCCTATCTAGCCTGTATTCCCAGGTAAGTTCTGTGTGGCTT-3'
Protein context (NP_009049.2, residues 92-112): ARSNHDRIRQ[Glu102Gly]DLRRLISYLA

ClinVar aggregate classification (germline): Uncertain significance (1 of 4 stars; one submission).

Conditions:
Intellectual developmental disorder, autosomal dominant 44, with microcephaly. Also called: Micrognathia-recurrent infections-behavioral abnormalities-mild intellectual disability syndrome; TRIO-Related Intellectual Disability. Identifiers: Orphanet 476126, MedGen C4310740, MONDO:0014892, OMIM 617061.

Submission:

3billion
Classification: Uncertain significance for Intellectual developmental disorder, autosomal dominant 44, with microcephaly. Last evaluated: 2023-06-09. Review status: criteria provided, single submitter. Criteria: ACMG Guidelines, 2015. Collection method: clinical testing. Allele origin: germline. Affected: yes.
Comment: The variant is not observed in the gnomAD v2.1.1 dataset. Predicted Consequence/Location: Missense changes are a common disease-causing mechanism. Therefore, this variant is classified as VUS according to the recommendation of ACMG/AMP guideline.